The following is an entry in ClinVar:

NM_012478.4(WBP2):c.239G>A (p.Cys80Tyr)

Gene: WBP2 (WW domain binding protein 2; minus strand). Cytogenetic location: 17q25.1.
Variant type: single nucleotide variant.
Coding change: c.239G>A on transcript NM_012478.4 (MANE Select); coding-DNA position 239, G replaced by A.
Protein change: p.Cys80Tyr; replaces cysteine 80 with tyrosine.
Molecular consequence: missense variant.
Genome position (GRCh38, 1-based): chr17:75,849,669, C>T on the plus strand (G>A on the coding strand, the complement: WBP2 is on the minus strand). VCF-style: chr17-75849669-C-T. GRCh37 (hg19) VCF-style: chr17-73845750-C-T.
Other names: c.239G>A, p.Cys80Tyr (NM_001330499.2, NM_001348170.1); short protein forms C80Y.
Identifiers: ClinVar variation 3695205 (VCV003695205.2).

ClinVar aggregate classification (germline): Uncertain significance (1 of 4 stars; one submission).

gnomAD v4.1: 20 of 1,614,108 alleles (0.0012%); highest among the groups gnomAD compares: South Asian, 0.02%; no homozygotes.

Submission:

Labcorp Genetics (formerly Invitae), Labcorp
Classification: Uncertain significance. Last evaluated: 2024-10-25. Review status: criteria provided, single submitter. Criteria: Invitae Variant Classification Sherloc (09022015). Collection method: clinical testing. Allele origin: germline.
Comment: This sequence change replaces cysteine, which is neutral and slightly polar, with tyrosine, which is neutral and polar, at codon 80 of the WBP2 protein (p.Cys80Tyr). This variant is present in population databases (rs771731567, gnomAD 0.03%). This variant has not been reported in the literature in individuals affected with WBP2-related conditions. Invitae Evidence Modeling of protein sequence and biophysical properties (such as structural, functional, and spatial information, amino acid conservation, physicochemical variation, residue mobility, and thermodynamic stability) indicates that this missense variant is expected to disrupt WBP2 protein function with a positive predictive value of 80%. In summary, the available evidence is currently insufficient to determine the role of this variant in disease. Therefore, it has been classified as a Variant of Uncertain Significance.